The following is an entry in ClinVar:

NM_178857.6(RP1L1):c.220C>G (p.Leu74Val)

Gene: RP1L1 (RP1 like 1). Cytogenetic location: 8p23.1.
Variant type: single nucleotide variant.
Coding change: c.220C>G on transcript NM_178857.6 (MANE Select); coding-DNA position 220, C replaced by G.
Protein change: p.Leu74Val; replaces leucine 74 with valine.
Molecular consequence: missense variant.
Genome position (GRCh38, 1-based): chr8:10,622,982, G>C on the plus strand (C>G on the coding strand, the complement: RP1L1 is on the minus strand). VCF-style: chr8-10622982-G-C. GRCh37 (hg19) VCF-style: chr8-10480492-G-C.
Other names: short protein forms L74V.
Identifiers: ClinVar variation 1926224 (VCV001926224.6), dbSNP rs572843586, ClinGen allele CA171954908.

ClinVar aggregate classification (germline): Uncertain significance. Review status: criteria provided, multiple submitters, no conflicts (2 of 4 stars). 2 submissions from 2 submitters: Uncertain significance (2). Last evaluated 2024-02-24.

Allele frequency attached by ClinVar (database versions not stated): gnomAD 0.00001; gnomAD exomes 0.00001.
gnomAD v4.1: 16 of 1,614,042 alleles (0.00099%); highest among the groups gnomAD compares: African/African-American, 0.0013%; no homozygotes.

Submissions (2):

Labcorp Genetics (formerly Invitae), Labcorp
Classification: Uncertain significance. Last evaluated: 2024-02-24. Review status: criteria provided, single submitter. Criteria: Invitae Variant Classification Sherloc (09022015). Collection method: clinical testing. Allele origin: germline.
Comment: This sequence change replaces leucine, which is neutral and non-polar, with valine, which is neutral and non-polar, at codon 74 of the RP1L1 protein (p.Leu74Val). This variant is present in population databases (rs572843586, gnomAD 0.003%). This variant has not been reported in the literature in individuals affected with RP1L1-related conditions. ClinVar contains an entry for this variant (Variation ID: 1926224). Advanced modeling of protein sequence and biophysical properties (such as structural, functional, and spatial information, amino acid conservation, physicochemical variation, residue mobility, and thermodynamic stability) performed at Invitae indicates that this missense variant is not expected to disrupt RP1L1 protein function with a negative predictive value of 80%. In summary, the available evidence is currently insufficient to determine the role of this variant in disease. Therefore, it has been classified as a Variant of Uncertain Significance.

Blueprint Genetics
Classification: Uncertain significance. Last evaluated: 2020-03-05. Review status: criteria provided, single submitter. Criteria: ACMG Guidelines, 2015. Collection method: clinical testing. Allele origin: germline.